The following is an entry in ClinVar:

ClinVar aggregate classification (germline): Uncertain significance (1 of 4 stars; one submission).

Conditions:
Hereditary cancer-predisposing syndrome. Also called: Neoplastic Syndromes, Hereditary; Tumor predisposition; Hereditary neoplastic syndrome; Hereditary Cancer Syndrome. Identifiers: Orphanet 140162, MedGen C0027672, MeSH D009386, MONDO:0015356.

Submission:

Ambry Genetics
Classification: Uncertain significance for Hereditary cancer-predisposing syndrome. Last evaluated: 2026-07-19. Review status: criteria provided, single submitter. Criteria: Ambry Variant Classification Scheme 2023. Collection method: clinical testing. Allele origin: germline.
Comment: The p.Q727R variant (also known as c.2180A>G), located in coding exon 13 of the PMS2 gene, results from an A to G substitution at nucleotide position 2180. The glutamine at codon 727 is replaced by arginine, an amino acid with highly similar properties. This amino acid position is conserved. In addition, this alteration is predicted to be deleterious by in silico analysis. Based on the available evidence, the clinical significance of this variant remains unclear.

NM_000535.7(PMS2):c.2180A>G (p.Gln727Arg)

Gene: PMS2 (PMS1 homolog 2, mismatch repair system component; minus strand). Cytogenetic location: 7p22.1.
Variant type: single nucleotide variant.
Coding change: c.2180A>G on transcript NM_000535.7 (MANE Select); coding-DNA position 2180, A replaced by G.
Protein change: p.Gln727Arg; replaces glutamine 727 with arginine.
Molecular consequence: missense variant. On other transcripts: non-coding transcript variant (1), intron variant (2).
Genome position (GRCh38, 1-based): chr7:5,978,691, T>C on the plus strand (A>G on the coding strand, the complement: PMS2 is on the minus strand). VCF-style: chr7-5978691-T-C. GRCh37 (hg19) VCF-style: chr7-6018322-T-C.
Other names: c.1844A>G, p.Gln615Arg (NM_001406885.1); c.1814A>G, p.Gln605Arg (NM_001406886.1); c.1775A>G, p.Gln592Arg (NM_001406887.1, NM_001406888.1, NM_001406889.1 and 14 more transcripts); c.2024A>G, p.Gln675Arg (NM_001322006.2, NM_001406870.1); c.1862A>G, p.Gln621Arg (NM_001322007.2, NM_001322008.2, NM_001406876.1 and 1 more transcripts); c.1619A>G, p.Gln540Arg (NM_001322010.2, NM_001406906.1, NM_001406907.1); c.1247A>G, p.Gln416Arg (NM_001322011.2, NM_001322012.2); c.1607A>G, p.Gln536Arg (NM_001322013.2, NM_001406908.1, NM_001406909.1); and 16 more; short protein forms Q540R, Q592R, Q621R, Q624R, Q671R, Q691R, Q789R, Q470R.
Identifiers: ClinVar variation 5026880 (VCV005026880.1).